The following is an entry in ClinVar:

ClinVar aggregate classification (germline): Uncertain significance (1 of 4 stars; one submission).

gnomAD v4.1: 24 of 1,612,698 alleles (0.0015%); highest among the groups gnomAD compares: Non-Finnish European, 0.002%; no homozygotes.

Submission:

Labcorp Genetics (formerly Invitae), Labcorp
Classification: Uncertain significance. Last evaluated: 2023-02-11. Review status: criteria provided, single submitter. Criteria: Invitae Variant Classification Sherloc (09022015). Collection method: clinical testing. Allele origin: germline.
Comment: This variant is present in population databases (no rsID available, gnomAD 0.0009%). This variant has not been reported in the literature in individuals affected with GUF1-related conditions. Algorithms developed to predict the effect of missense changes on protein structure and function are either unavailable or do not agree on the potential impact of this missense change (SIFT: "Deleterious"; PolyPhen-2: "Benign"; Align-GVGD: "Class C45"). In summary, the available evidence is currently insufficient to determine the role of this variant in disease. Therefore, it has been classified as a Variant of Uncertain Significance. This sequence change replaces arginine, which is basic and polar, with glycine, which is neutral and non-polar, at codon 585 of the GUF1 protein (p.Arg585Gly).

NM_021927.3(GUF1):c.1753C>G (p.Arg585Gly)

Gene: GUF1 (GTP binding elongation factor GUF1; plus strand). Cytogenetic location: 4p12.
Variant type: single nucleotide variant.
Coding change: c.1753C>G on transcript NM_021927.3 (MANE Select); coding-DNA position 1753, C replaced by G.
Protein change: p.Arg585Gly; replaces arginine 585 with glycine.
Molecular consequence: missense variant. On other transcripts: intron variant (1).
Genome position (GRCh38, 1-based): chr4:44,695,652, C>G. VCF-style: chr4-44695652-C-G. GRCh37 (hg19) VCF-style: chr4-44697669-C-G.
Other names: c.781C>G, p.Arg261Gly (NM_001345867.2, NM_001345869.2); c.1715+1139C>G (NM_001345868.2); short protein forms R261G, R585G.
Identifiers: ClinVar variation 2960165 (VCV002960165.3), dbSNP rs759581426, ClinGen allele CA356764812.